The following is an entry in ClinVar:

NM_000342.4(SLC4A1):c.695-34_695-3del

Gene: SLC4A1 (solute carrier family 4 member 1 (Diego blood group); minus strand). Cytogenetic location: 17q21.31.
Variant type: Deletion.
Coding change: c.695-34_695-3del on transcript NM_000342.4 (MANE Select); 34 bases into the intron before coding-DNA position 695 through 3 bases into the intron before coding-DNA position 695, 32 bases deleted.
Molecular consequence: intron variant.
Genome position (GRCh38, 1-based): chr17:44,259,347-44,259,378, 32 bases deleted; deleting any 32 consecutive bases within chr17:44,259,347-44,259,379 gives the same sequence; the c. name uses the placement nearest the transcript's 3' end. GRCh37 (hg19): chr17:42,336,716-42,336,747.
Identifiers: ClinVar variation 2827061 (VCV002827061.3), dbSNP rs2509968747, ClinGen allele CA2739267573.
Genomic context (GRCh38, chr17:44,259,346, plus strand): 5'-CGCTGCCTCCTGCAGCCTCACGAAGCCCAGCACCGGCTGCTCCAGGAAGTCGGCGCGGCC[TGTTAGGGGATGAGAAGATCAGGCCAGGCCGAG>T]GAGCCCAGGGTGGGTGTGCTGAAGAGATGGGGCTGCGGGGGTCCAGGCTGAGGGAAAGAC-3'

ClinVar aggregate classification (germline): Uncertain significance (1 of 4 stars; one submission).

Submission:

Labcorp Genetics (formerly Invitae), Labcorp
Classification: Uncertain significance. Last evaluated: 2023-01-08. Review status: criteria provided, single submitter. Criteria: Invitae Variant Classification Sherloc (09022015). Collection method: clinical testing. Allele origin: germline.
Comment: This variant is not present in population databases (gnomAD no frequency). In summary, the available evidence is currently insufficient to determine the role of this variant in disease. Therefore, it has been classified as a Variant of Uncertain Significance. Algorithms developed to predict the effect of sequence changes on RNA splicing suggest that this variant may disrupt the consensus splice site. This variant has not been reported in the literature in individuals affected with SLC4A1-related conditions. This sequence change falls in intron 8 of the SLC4A1 gene. It does not directly change the encoded amino acid sequence of the SLC4A1 protein.